The following is an entry in ClinVar:

NM_032444.4(SLX4):c.2815C>T (p.Arg939Trp)

Gene: SLX4 (SLX4 structure-specific endonuclease subunit; minus strand). Cytogenetic location: 16p13.3.
Variant type: single nucleotide variant.
Coding change: c.2815C>T on transcript NM_032444.4 (MANE Select); coding-DNA position 2815, C replaced by T.
Protein change: p.Arg939Trp; replaces arginine 939 with tryptophan.
Molecular consequence: missense variant.
Genome position (GRCh38, 1-based): chr16:3,590,823, G>A on the plus strand (C>T on the coding strand, the complement: SLX4 is on the minus strand). VCF-style: chr16-3590823-G-A. GRCh37 (hg19) VCF-style: chr16-3640824-G-A.
Other names: short protein forms R939W.
Identifiers: ClinVar variation 2067738 (VCV002067738.5), dbSNP rs1478383926, ClinGen allele CA394522750.

ClinVar aggregate classification (germline): Conflicting classifications of pathogenicity. Review status: criteria provided, conflicting classifications (1 of 4 stars). 2 submissions from 2 submitters: Uncertain significance (1); Likely benign (1). Last evaluated 2025-10-18.

Conditions:
Inborn genetic diseases. Identifiers: MedGen C0950123, MeSH D030342.
Fanconi anemia (FA). Also called: Fanconi's anemia. Identifiers: Orphanet 84, MedGen C0015625, MeSH D005199, MONDO:0019391.

Allele frequency attached by ClinVar (database versions not stated): TOPMed 0.00001.
gnomAD v4.1: 8 of 1,614,034 alleles (0.0005%); highest among the groups gnomAD compares: African/African-American, 0.0013%; no homozygotes.

Submissions (2):

Ambry Genetics
Classification: Likely benign for Inborn genetic diseases. Last evaluated: 2025-10-18. Review status: criteria provided, single submitter. Criteria: Ambry Variant Classification Scheme 2023. Collection method: clinical testing. Allele origin: germline.

Labcorp Genetics (formerly Invitae), Labcorp
Classification: Uncertain significance for Fanconi anemia. Last evaluated: 2025-05-28. Review status: criteria provided, single submitter. Criteria: Invitae Variant Classification Sherloc (09022015). Collection method: clinical testing. Allele origin: germline.
Comment: This sequence change replaces arginine, which is basic and polar, with tryptophan, which is neutral and slightly polar, at codon 939 of the SLX4 protein (p.Arg939Trp). This variant is present in population databases (no rsID available, gnomAD 0.004%). This variant has not been reported in the literature in individuals affected with SLX4-related conditions. ClinVar contains an entry for this variant (Variation ID: 2067738). An algorithm developed to predict the effect of missense changes on protein structure and function outputs the following: PolyPhen-2: "Benign". The tryptophan amino acid residue is found in multiple mammalian species, which suggests that this missense change does not adversely affect protein function. In summary, the available evidence is currently insufficient to determine the role of this variant in disease. Therefore, it has been classified as a Variant of Uncertain Significance.